The following is an entry in ClinVar:

ClinVar aggregate classification (germline): Uncertain significance. Review status: criteria provided, multiple submitters, no conflicts (2 of 4 stars). 2 submissions from 2 submitters: Uncertain significance (2). Last evaluated 2023-02-08.

Allele frequency attached by ClinVar (database versions not stated): TOPMed below 0.00001; gnomAD 0.00001; gnomAD exomes 0.00001.
gnomAD v4.1: 11 of 1,613,724 alleles (0.00068%); highest among the groups gnomAD compares: Admixed American, 0.0017%; no homozygotes.

Submissions (2):

Labcorp Genetics (formerly Invitae), Labcorp
Classification: Uncertain significance. Last evaluated: 2023-02-08. Review status: criteria provided, single submitter. Criteria: Invitae Variant Classification Sherloc (09022015). Collection method: clinical testing. Allele origin: germline.
Comment: This variant is present in population databases (no rsID available, gnomAD 0.003%). This sequence change replaces isoleucine, which is neutral and non-polar, with threonine, which is neutral and polar, at codon 1103 of the ABCB11 protein (p.Ile1103Thr). This variant has not been reported in the literature in individuals affected with ABCB11-related conditions. In summary, the available evidence is currently insufficient to determine the role of this variant in disease. Therefore, it has been classified as a Variant of Uncertain Significance. Advanced modeling of protein sequence and biophysical properties (such as structural, functional, and spatial information, amino acid conservation, physicochemical variation, residue mobility, and thermodynamic stability) has been performed at Invitae for this missense variant, however the output from this modeling did not meet the statistical confidence thresholds required to predict the impact of this variant on ABCB11 protein function. ClinVar contains an entry for this variant (Variation ID: 594149).

Eurofins Ntd Llc (ga)
Classification: Uncertain significance. Last evaluated: 2017-09-19. Review status: criteria provided, single submitter. Criteria: EGL Classification Definitions 2015. Collection method: clinical testing. Allele origin: germline. Observed: 1 variant allele, 1 heterozygote.

NM_003742.4(ABCB11):c.3308T>C (p.Ile1103Thr)

Gene: ABCB11 (ATP binding cassette subfamily B member 11; minus strand). Cytogenetic location: 2q31.1.
Variant type: single nucleotide variant.
Coding change: c.3308T>C on transcript NM_003742.4 (MANE Select); coding-DNA position 3308, T replaced by C.
Protein change: p.Ile1103Thr; replaces isoleucine 1103 with threonine.
Molecular consequence: missense variant.
Genome position (GRCh38, 1-based): chr2:168,930,768, A>G on the plus strand (T>C on the coding strand, the complement: ABCB11 is on the minus strand). VCF-style: chr2-168930768-A-G. GRCh37 (hg19) VCF-style: chr2-169787278-A-G.
Other names: c.3308T>C, p.Ile1103Thr (LRG_1199t1); short protein forms I1103T.
Identifiers: ClinVar variation 594149 (VCV000594149.9), dbSNP rs1480979213, ClinGen allele CA349121524.